The following is an entry in ClinVar:

ClinVar aggregate classification (germline): Uncertain significance (1 of 4 stars; one submission).

Submission:

Labcorp Genetics (formerly Invitae), Labcorp
Classification: Uncertain significance. Last evaluated: 2022-04-30. Review status: criteria provided, single submitter. Criteria: Invitae Variant Classification Sherloc (09022015). Collection method: clinical testing. Allele origin: germline.
Comment: This sequence change replaces serine, which is neutral and polar, with phenylalanine, which is neutral and non-polar, at codon 267 of the LRP2 protein (p.Ser267Phe). This variant is not present in population databases (gnomAD no frequency). This variant has not been reported in the literature in individuals affected with LRP2-related conditions. Advanced modeling of protein sequence and biophysical properties (such as structural, functional, and spatial information, amino acid conservation, physicochemical variation, residue mobility, and thermodynamic stability) performed at Invitae indicates that this missense variant is not expected to disrupt LRP2 protein function. In summary, the available evidence is currently insufficient to determine the role of this variant in disease. Therefore, it has been classified as a Variant of Uncertain Significance.

NM_004525.3(LRP2):c.800C>T (p.Ser267Phe)

Gene: LRP2 (LDL receptor related protein 2; minus strand). Cytogenetic location: 2q31.1.
Variant type: single nucleotide variant.
Coding change: c.800C>T on transcript NM_004525.3 (MANE Select); coding-DNA position 800, C replaced by T.
Protein change: p.Ser267Phe; replaces serine 267 with phenylalanine.
Molecular consequence: missense variant.
Genome position (GRCh38, 1-based): chr2:169,290,967, G>A on the plus strand (C>T on the coding strand, the complement: LRP2 is on the minus strand). VCF-style: chr2-169290967-G-A. GRCh37 (hg19) VCF-style: chr2-170147477-G-A.
Other names: short protein forms S267F.
Identifiers: ClinVar variation 2132123 (VCV002132123.4), dbSNP rs2528555284, ClinGen allele CA349158391.